The following is an entry in ClinVar:

ClinVar aggregate classification (germline): Conflicting classifications of pathogenicity. Review status: criteria provided, conflicting classifications (1 of 4 stars). 2 submissions from 2 submitters: Pathogenic (1); Uncertain significance (1). Last evaluated 2025-05-04.

Conditions:
Dystonia 12 (DYT12). Also called: Rapid-Onset Dystonia-Parkinsonism (RDP); DYT-ATP1A3. Identifiers: Orphanet 71517, MedGen C1868681, MONDO:0007496, OMIM 128235.

Submissions (2):

GeneDx
Classification: Pathogenic. Last evaluated: 2025-05-04. Review status: criteria provided, single submitter. Criteria: GeneDx Variant Classification Process June 2021. Collection method: clinical testing. Allele origin: germline. Affected: yes.
Comment: In silico analysis supports that this missense variant has a deleterious effect on protein structure/function; Not observed at significant frequency in large population cohorts (gnomAD); This variant is associated with the following publications: (PMID: 29477659)

Labcorp Genetics (formerly Invitae), Labcorp
Classification: Uncertain significance for Dystonia 12. Last evaluated: 2022-01-21. Review status: criteria provided, single submitter. Criteria: Invitae Variant Classification Sherloc (09022015). Collection method: clinical testing. Allele origin: germline.
Comment: This sequence change replaces asparagine, which is neutral and polar, with lysine, which is basic and polar, at codon 744 of the ATP1A3 protein (p.Asn744Lys). This variant is not present in population databases (gnomAD no frequency). This variant has not been reported in the literature in individuals affected with ATP1A3-related conditions. Advanced modeling of protein sequence and biophysical properties (such as structural, functional, and spatial information, amino acid conservation, physicochemical variation, residue mobility, and thermodynamic stability) performed at Invitae indicates that this missense variant is expected to disrupt ATP1A3 protein function. In summary, the available evidence is currently insufficient to determine the role of this variant in disease. Therefore, it has been classified as a Variant of Uncertain Significance.

NM_152296.5(ATP1A3):c.2232C>A (p.Asn744Lys)

Gene: ATP1A3 (ATPase Na+/K+ transporting subunit alpha 3; minus strand). Cytogenetic location: 19q13.2.
Variant type: single nucleotide variant.
Coding change: c.2232C>A on transcript NM_152296.5 (MANE Select); coding-DNA position 2232, C replaced by A.
Protein change: p.Asn744Lys; replaces asparagine 744 with lysine.
Molecular consequence: missense variant.
Genome position (GRCh38, 1-based): chr19:41,975,660, G>T on the plus strand (C>A on the coding strand, the complement: ATP1A3 is on the minus strand). VCF-style: chr19-41975660-G-T. GRCh37 (hg19) VCF-style: chr19-42479812-G-T.
Other names: c.2232C>A (NM_152296.4); c.2265C>A, p.Asn755Lys (NM_001256213.2); c.2271C>A, p.Asn757Lys (NM_001256214.2); short protein forms N755K, N744K, N757K.
Identifiers: ClinVar variation 1984501 (VCV001984501.5), dbSNP rs2514047010, ClinGen allele CA406041704.